The following is an entry in ClinVar:

ClinVar aggregate classification (germline): Uncertain significance (1 of 4 stars; one submission).

Conditions:
Hereditary pheochromocytoma and paraganglioma. Also called: Hereditary pheochromocytoma-paraganglioma; Hereditary Paraganglioma-Pheochromocytoma Syndromes; Hereditary paragangliomas and pheochromocytomas. Identifiers: Orphanet 29072, MedGen C4274332, MONDO:0017366.

gnomAD v4.1: 1 of 1,605,644 alleles (0.000062%); highest among the groups gnomAD compares: Non-Finnish European, 0.000085%; no homozygotes.

Submission:

Labcorp Genetics (formerly Invitae), Labcorp
Classification: Uncertain significance for Hereditary pheochromocytoma and paraganglioma. Last evaluated: 2025-09-24. Review status: criteria provided, single submitter. Criteria: Invitae Variant Classification Sherloc (09022015). Collection method: clinical testing. Allele origin: germline.
Comment: This sequence change replaces proline, which is neutral and non-polar, with alanine, which is neutral and non-polar, at codon 51 of the MAX protein (p.Pro51Ala). This variant is not present in population databases (gnomAD no frequency). This variant has not been reported in the literature in individuals affected with MAX-related conditions. An algorithm developed to predict the effect of missense changes on protein structure and function (PolyPhen-2) suggests that this variant is likely to be disruptive. In summary, the available evidence is currently insufficient to determine the role of this variant in disease. Therefore, it has been classified as a Variant of Uncertain Significance.

NM_002382.5(MAX):c.151C>G (p.Pro51Ala)

Genes: MAX (MYC associated transcriptional regulator X; minus strand), MAX-AS1 (MAX antisense RNA 1; plus strand). Cytogenetic location: 14q23.3.
Variant type: single nucleotide variant.
Coding change: c.151C>G on transcript NM_002382.5 (MANE Select); coding-DNA position 151, C replaced by G.
Protein change: p.Pro51Ala; replaces proline 51 with alanine.
Molecular consequence: missense variant. On other transcripts: non-coding transcript variant (12), intron variant (1), 5 prime UTR variant (6), synonymous variant (1).
Genome position (GRCh38, 1-based): chr14:65,093,728, G>C on the plus strand (C>G on the coding strand, the complement: MAX is on the minus strand). VCF-style: chr14-65093728-G-C. GRCh37 (hg19) VCF-style: chr14-65560446-G-C.
Other names: c.124C>G, p.Pro42Ala (NM_145112.3, NM_001407108.1, NM_001407109.1 and 9 more transcripts); c.151C>G, p.Pro51Ala (NM_145113.3, NM_145114.3, NM_197957.4 and 5 more transcripts); c.63+7818C>G (NM_001407098.1); c.-124C>G (NM_001407105.1, NM_001407106.1, NM_001407107.1 and 1 more transcripts); c.-217C>G (NM_001407111.1, NM_001407112.1); c.174C>G, p.Ser58= (NM_001407114.1); short protein forms P51A, P42A.
Identifiers: ClinVar variation 4727810 (VCV004727810.1).